The following is an entry in ClinVar:

NM_000432.4(MYL2):c.11_15del (p.Lys4fs)

Genes: MYL2 (myosin light chain 2; minus strand), LOC114827850 (VISTA enhancer hs2149; plus strand). Cytogenetic location: 12q24.11.
Variant type: Deletion.
Coding change: c.11_15del on transcript NM_000432.4 (MANE Select); coding-DNA positions 11 to 15, 5 bases deleted (AGAAA; older notation c.11_15delAGAAA).
Protein change: p.Lys4fs; shifts the reading frame from lysine 4.
Molecular consequence: frameshift variant.
Genome position (GRCh38, 1-based): chr12:110,919,182-110,919,186, TTTCT deleted on the plus strand (AGAAA on the coding strand, the reverse complement: MYL2 is on the minus strand); deleting any 5 consecutive bases within chr12:110,919,182-110,919,187 gives the same sequence; the c. name uses the placement nearest the transcript's 3' end. VCF-style (leftmost placement, unchanged base first): chr12-110919181-CTTTCT-C. GRCh37 (hg19) VCF-style: chr12-111356985-CTTTCT-C.
Other names: short protein forms K4fs.
Identifiers: ClinVar variation 1677830 (VCV001677830.3), dbSNP rs747082468, ClinGen allele CA039995.

ClinVar aggregate classification (germline): Uncertain significance. Review status: criteria provided, multiple submitters, no conflicts (2 of 4 stars). 2 submissions from 2 submitters: Uncertain significance (2). Last evaluated 2025-09-02.

Conditions:
Hypertrophic cardiomyopathy 10. Also called: CARDIOMYOPATHY, HYPERTROPHIC, MID-LEFT VENTRICULAR CHAMBER TYPE, 2; MYL2-Related Familial Hypertrophic Cardiomyopathy. Identifiers: MedGen C1834460, MONDO:0012112, OMIM 608758.

Submissions (2):

Labcorp Genetics (formerly Invitae), Labcorp
Classification: Uncertain significance for Hypertrophic cardiomyopathy 10. Last evaluated: 2025-09-02. Review status: criteria provided, single submitter. Criteria: Invitae Variant Classification Sherloc (09022015). Collection method: clinical testing. Allele origin: germline.
Comment: This sequence change creates a premature translational stop signal (p.Lys4Serfs*25) in the MYL2 gene. It is expected to result in an absent or disrupted protein product. However, the current clinical and genetic evidence is not sufficient to establish whether loss-of-function variants in MYL2 cause disease. This variant is present in population databases (rs747082468, gnomAD 0.002%). This variant has not been reported in the literature in individuals affected with MYL2-related conditions. ClinVar contains an entry for this variant (Variation ID: 1677830). In summary, the available evidence is currently insufficient to determine the role of this variant in disease. Therefore, it has been classified as a Variant of Uncertain Significance.

AiLife Diagnostics
Classification: Uncertain significance. Last evaluated: 2022-01-22. Review status: criteria provided, single submitter. Criteria: ACMG Guidelines, 2015. Collection method: clinical testing. Allele origin: germline. Affected: yes. Observed: 1 variant allele.